The following is an entry in ClinVar:

ClinVar aggregate classification (germline): Likely benign. Review status: criteria provided, multiple submitters, no conflicts (2 of 4 stars). 2 submissions from 2 submitters: Likely benign (2). Last evaluated 2025-01-05.

Conditions:
Hereditary cancer-predisposing syndrome. Also called: Hereditary Cancer Syndrome; Hereditary neoplastic syndrome; Neoplastic Syndromes, Hereditary; Tumor predisposition. Identifiers: Orphanet 140162, MedGen C0027672, MeSH D009386, MONDO:0015356.

Submissions (2):

Ambry Genetics
Classification: Likely benign for Hereditary cancer-predisposing syndrome. Last evaluated: 2025-01-05. Review status: criteria provided, single submitter. Criteria: Ambry Variant Classification Scheme 2023. Collection method: clinical testing. Allele origin: germline.

GeneDx
Classification: Likely benign. Last evaluated: 2016-06-23. Review status: criteria provided, single submitter. Criteria: GeneDx Variant Classification (06012015). Collection method: clinical testing. Allele origin: germline. Affected: yes.
Comment: This variant is considered likely benign or benign based on one or more of the following criteria: it is a conservative change, it occurs at a poorly conserved position in the protein, it is predicted to be benign by multiple in silico algorithms, and/or has population frequency not consistent with disease.

NM_002691.4(POLD1):c.1095T>A (p.Gly365=)

Gene: POLD1 (DNA polymerase delta 1, catalytic subunit; plus strand). Cytogenetic location: 19q13.33.
Variant type: single nucleotide variant.
Coding change: c.1095T>A on transcript NM_002691.4 (MANE Select); coding-DNA position 1095, T replaced by A.
Protein change: p.Gly365=; no amino-acid change (glycine 365 retained).
Molecular consequence: synonymous variant. On other transcripts: non-coding transcript variant (1).
Genome position (GRCh38, 1-based): chr19:50,403,177, T>A. VCF-style: chr19-50403177-T-A. GRCh37 (hg19) VCF-style: chr19-50906434-T-A.
Other names: c.1095T>A, p.Gly365= (NM_001256849.1, NM_001308632.1); c.1095T>A (NM_002691.2).
Identifiers: ClinVar variation 387268 (VCV000387268.2), dbSNP rs1057522748, ClinGen allele CA16607907.